The following is an entry in ClinVar:

NM_001384140.1(PCDH15):c.2751+3A>T

Gene: PCDH15 (protocadherin related 15; minus strand). Cytogenetic location: 10q21.1.
Variant type: single nucleotide variant.
Coding change: c.2751+3A>T on transcript NM_001384140.1 (MANE Select); 3 bases into the intron after coding-DNA position 2751, A replaced by T.
Molecular consequence: intron variant.
Genome position (GRCh38, 1-based): chr10:54,020,189, T>A on the plus strand (A>T on the coding strand, the complement: PCDH15 is on the minus strand). VCF-style: chr10-54020189-T-A. GRCh37 (hg19) VCF-style: chr10-55779949-T-A.
Other names: c.2751+3A>T (NM_001354420.2, NM_001354429.2, NM_001142772.2 and 5 more transcripts); c.2766+3A>T (NM_001142771.2, NM_001142763.2); c.2772+3A>T (NM_001354411.2); c.2787+3A>T (NM_001142769.3); c.2685+3A>T (NM_001354404.2, NM_001142773.2, NM_001142768.2); c.2640+3A>T (NM_001142767.2); c.2538+3A>T (NM_001142765.2).
Identifiers: ClinVar variation 4527156 (VCV004527156.1).

ClinVar aggregate classification (germline): Uncertain significance (1 of 4 stars; one submission).

Submission:

GeneDx
Classification: Uncertain significance. Last evaluated: 2025-04-24. Review status: criteria provided, single submitter. Criteria: GeneDx Variant Classification Process June 2021. Collection method: clinical testing. Allele origin: germline. Affected: yes.
Comment: Not observed at significant frequency in large population cohorts (gnomAD); In silico analysis supports a deleterious effect on splicing; Has not been previously published as pathogenic or benign to our knowledge